The following is an entry in ClinVar:

NM_014334.4(FRRS1L):c.377G>A (p.Arg126Gln)

Gene: FRRS1L (ferric chelate reductase 1 like; minus strand). Cytogenetic location: 9q31.3.
Variant type: single nucleotide variant.
Coding change: c.377G>A on transcript NM_014334.4 (MANE Select); coding-DNA position 377, G replaced by A.
Protein change: p.Arg126Gln; replaces arginine 126 with glutamine.
Molecular consequence: missense variant.
Genome position (GRCh38, 1-based): chr9:109,147,136, C>T on the plus strand (G>A on the coding strand, the complement: FRRS1L is on the minus strand). VCF-style: chr9-109147136-C-T. GRCh37 (hg19) VCF-style: chr9-111909416-C-T.
Other names: short protein forms R126Q.
Identifiers: ClinVar variation 2020001 (VCV002020001.1), dbSNP rs368103132, ClinGen allele CA197567959.

ClinVar aggregate classification (germline): Uncertain significance (1 of 4 stars; one submission).

Conditions:
Developmental and epileptic encephalopathy, 37 (DEE37). Also called: Epileptic encephalopathy, early infantile, 37. Identifiers: MedGen C4310770, MONDO:0014859, OMIM 616981.

Allele frequency attached by ClinVar (database versions not stated): TOPMed 0.00002.

Submission:

Labcorp Genetics (formerly Invitae), Labcorp
Classification: Uncertain significance for Developmental and epileptic encephalopathy, 37. Last evaluated: 2022-04-24. Review status: criteria provided, single submitter. Criteria: Invitae Variant Classification Sherloc (09022015). Collection method: clinical testing. Allele origin: germline.
Comment: This sequence change replaces arginine, which is basic and polar, with glutamine, which is neutral and polar, at codon 177 of the FRRS1L protein (p.Arg177Gln). This variant is present in population databases (rs368103132, gnomAD 0.0009%). This variant has not been reported in the literature in individuals affected with FRRS1L-related conditions. Algorithms developed to predict the effect of missense changes on protein structure and function are either unavailable or do not agree on the potential impact of this missense change (SIFT: "Tolerated"; PolyPhen-2: "Possibly Damaging"; Align-GVGD: "Class C0"). In summary, the available evidence is currently insufficient to determine the role of this variant in disease. Therefore, it has been classified as a Variant of Uncertain Significance.